The following is an entry in ClinVar:

NM_004946.3(DOCK2):c.5129C>A (p.Ala1710Glu)

Gene: DOCK2 (dedicator of cytokinesis 2; plus strand). Cytogenetic location: 5q35.1.
Variant type: single nucleotide variant.
Coding change: c.5129C>A on transcript NM_004946.3 (MANE Select); coding-DNA position 5129, C replaced by A.
Protein change: p.Ala1710Glu; replaces alanine 1710 with glutamic acid.
Molecular consequence: missense variant. On other transcripts: non-coding transcript variant (1).
Genome position (GRCh38, 1-based): chr5:170,079,109, C>A. VCF-style: chr5-170079109-C-A. GRCh37 (hg19) VCF-style: chr5-169506113-C-A.
Other names: short protein forms A1710E.
Identifiers: ClinVar variation 840511 (VCV000840511.6), dbSNP rs200684209, ClinGen allele CA3554767.
Genomic context (GRCh38, chr5:170,079,109, plus strand): 5'-TGCCTGAGGTCAAGCTGCGGAGGTCCAAGAAGAGGACAAAGAGAAGCAGCGTAGTTTTTG[C>A]GGATGAGAAAGCAGCTGCAGAGTCGGACCTGAAGCGGGTGAGTGGCTGAGGCAGATTGCC-3'
Protein context (NP_004937.1, residues 1700-1720): KRTKRSSVVF[Ala1710Glu]DEKAAAESDL

ClinVar aggregate classification (germline): Uncertain significance (1 of 4 stars; one submission).

Conditions:
DOCK2 deficiency. Also called: Immunodeficiency 40. Identifiers: Orphanet 447737, MedGen C4225328, MONDO:0014637, OMIM 616433.

Allele frequency attached by ClinVar (database versions not stated): TOPMed 0.00002.
gnomAD v4.1: 59 of 1,613,748 alleles (0.0037%); highest among the groups gnomAD compares: Non-Finnish European, 0.0045%; no homozygotes.

Submission:

Labcorp Genetics (formerly Invitae), Labcorp
Classification: Uncertain significance for DOCK2 deficiency. Last evaluated: 2022-10-08. Review status: criteria provided, single submitter. Criteria: Invitae Variant Classification Sherloc (09022015). Collection method: clinical testing. Allele origin: germline.
Comment: This variant is present in population databases (rs200684209, gnomAD 0.005%). In summary, the available evidence is currently insufficient to determine the role of this variant in disease. Therefore, it has been classified as a Variant of Uncertain Significance. Algorithms developed to predict the effect of missense changes on protein structure and function (SIFT, PolyPhen-2, Align-GVGD) all suggest that this variant is likely to be tolerated. ClinVar contains an entry for this variant (Variation ID: 840511). This variant has not been reported in the literature in individuals affected with DOCK2-related conditions. This sequence change replaces alanine, which is neutral and non-polar, with glutamic acid, which is acidic and polar, at codon 1710 of the DOCK2 protein (p.Ala1710Glu).